The following is an entry in ClinVar:

NM_058216.3(RAD51C):c.946C>G (p.His316Asp)

Gene: RAD51C (RAD51 paralog C; plus strand). Cytogenetic location: 17q22.
Variant type: single nucleotide variant.
Coding change: c.946C>G on transcript NM_058216.3 (MANE Select); coding-DNA position 946, C replaced by G.
Protein change: p.His316Asp; replaces histidine 316 with aspartic acid.
Molecular consequence: missense variant. On other transcripts: non-coding transcript variant (1).
Genome position (GRCh38, 1-based): chr17:58,724,081, C>G. VCF-style: chr17-58724081-C-G. GRCh37 (hg19) VCF-style: chr17-56801442-C-G.
Other names: c.*374C>G (NM_058217.1); short protein forms H316D.
Identifiers: ClinVar variation 1767055 (VCV001767055.4), dbSNP rs876660745, ClinGen allele CA400361492.

ClinVar aggregate classification (germline): Uncertain significance. Review status: criteria provided, multiple submitters, no conflicts (2 of 4 stars). 2 submissions from 2 submitters: Uncertain significance (2). Last evaluated 2024-03-18.

Conditions:
Hereditary cancer-predisposing syndrome. Also called: Neoplastic Syndromes, Hereditary; Tumor predisposition; Hereditary neoplastic syndrome; Hereditary Cancer Syndrome. Identifiers: Orphanet 140162, MedGen C0027672, MeSH D009386, MONDO:0015356.
Fanconi anemia complementation group O. Also called: RAD51C-Related Fanconi Anemia. Identifiers: Orphanet 84, MedGen C3150653, MONDO:0013248, OMIM 613390.

Submissions (2):

Labcorp Genetics (formerly Invitae), Labcorp
Classification: Uncertain significance for Fanconi anemia complementation group O. Last evaluated: 2024-03-18. Review status: criteria provided, single submitter. Criteria: Invitae Variant Classification Sherloc (09022015). Collection method: clinical testing. Allele origin: germline.
Comment: This sequence change replaces histidine, which is basic and polar, with aspartic acid, which is acidic and polar, at codon 316 of the RAD51C protein (p.His316Asp). This variant is not present in population databases (gnomAD no frequency). This variant has not been reported in the literature in individuals affected with RAD51C-related conditions. ClinVar contains an entry for this variant (Variation ID: 1767055). Advanced modeling of protein sequence and biophysical properties (such as structural, functional, and spatial information, amino acid conservation, physicochemical variation, residue mobility, and thermodynamic stability) performed at Invitae indicates that this missense variant is not expected to disrupt RAD51C protein function with a negative predictive value of 80%. In summary, the available evidence is currently insufficient to determine the role of this variant in disease. Therefore, it has been classified as a Variant of Uncertain Significance.

Ambry Genetics
Classification: Uncertain significance for Hereditary cancer-predisposing syndrome. Last evaluated: 2022-05-27. Review status: criteria provided, single submitter. Criteria: Ambry Variant Classification Scheme 2023. Collection method: clinical testing. Allele origin: germline.
Comment: The p.H316D variant (also known as c.946C>G), located in coding exon 7 of the RAD51C gene, results from a C to G substitution at nucleotide position 946. The histidine at codon 316 is replaced by aspartic acid, an amino acid with similar properties. This amino acid position is conserved. In addition, the in silico prediction for this alteration is inconclusive. Since supporting evidence is limited at this time, the clinical significance of this alteration remains unclear.